The following is an entry in ClinVar:

ClinVar aggregate classification (germline): Conflicting classifications of pathogenicity. Review status: criteria provided, conflicting classifications (1 of 4 stars). 3 submissions from 3 submitters: Uncertain significance (2); Likely benign (1). Last evaluated 2025-01-26.

Conditions:
POLD1-related polyposis and colorectal cancer syndrome (CRCS10). Also called: Colorectal cancer 10; COLORECTAL CANCER, SUSCEPTIBILITY TO, ON CHROMOSOME 19q; Colorectal cancer, susceptibility to, 10. Identifiers: Orphanet 220460, MedGen C2675481, MONDO:0012953, OMIM 612591.
Hereditary cancer-predisposing syndrome. Also called: Tumor predisposition; Neoplastic Syndromes, Hereditary; Hereditary Cancer Syndrome; Hereditary neoplastic syndrome. Identifiers: Orphanet 140162, MedGen C0027672, MeSH D009386, MONDO:0015356.

Allele frequency attached by ClinVar (database versions not stated): ExAC 0.00001; gnomAD exomes 0.00001; TOPMed 0.00002.
gnomAD v4.1: 12 of 1,612,830 alleles (0.00074%); highest among the groups gnomAD compares: African/African-American, 0.004%; no homozygotes.

Submissions (3):

Labcorp Genetics (formerly Invitae), Labcorp
Classification: Uncertain significance for POLD1-related polyposis and colorectal cancer syndrome. Last evaluated: 2025-01-26. Review status: criteria provided, single submitter. Criteria: Invitae Variant Classification Sherloc (09022015). Collection method: clinical testing. Allele origin: germline.
Comment: This sequence change replaces alanine, which is neutral and non-polar, with serine, which is neutral and polar, at codon 864 of the POLD1 protein (p.Ala864Ser). This variant is present in population databases (rs765437818, gnomAD 0.007%). This variant has not been reported in the literature in individuals affected with POLD1-related conditions. ClinVar contains an entry for this variant (Variation ID: 566414). Invitae Evidence Modeling of protein sequence and biophysical properties (such as structural, functional, and spatial information, amino acid conservation, physicochemical variation, residue mobility, and thermodynamic stability) indicates that this missense variant is not expected to disrupt POLD1 protein function with a negative predictive value of 80%. RNA analysis performed to evaluate the impact of this missense change on mRNA splicing indicates it does not significantly alter splicing (internal data). In summary, the available evidence is currently insufficient to determine the role of this variant in disease. Therefore, it has been classified as a Variant of Uncertain Significance.

Ambry Genetics
Classification: Likely benign for Hereditary cancer-predisposing syndrome. Last evaluated: 2024-12-19. Review status: criteria provided, single submitter. Criteria: Ambry Variant Classification Scheme 2023. Collection method: clinical testing. Allele origin: germline.

Blueprint Genetics
Classification: Uncertain significance. Last evaluated: 2023-02-08. Review status: criteria provided, single submitter. Criteria: ACMG Guidelines, 2015. Collection method: clinical testing. Allele origin: germline.

NM_002691.4(POLD1):c.2590G>T (p.Ala864Ser)

Gene: POLD1 (DNA polymerase delta 1, catalytic subunit; plus strand). Cytogenetic location: 19q13.33.
Variant type: single nucleotide variant.
Coding change: c.2590G>T on transcript NM_002691.4 (MANE Select); coding-DNA position 2590, G replaced by T.
Protein change: p.Ala864Ser; replaces alanine 864 with serine.
Molecular consequence: missense variant. On other transcripts: non-coding transcript variant (1).
Genome position (GRCh38, 1-based): chr19:50,415,463, G>T. VCF-style: chr19-50415463-G-T. GRCh37 (hg19) VCF-style: chr19-50918720-G-T.
Other names: c.2590G>T, p.Ala864Ser (NM_001256849.1); c.2668G>T, p.Ala890Ser (NM_001308632.1); c.2590G>T (NM_002691.2); short protein forms A864S, A890S.
Identifiers: ClinVar variation 566414 (VCV000566414.11), dbSNP rs765437818, ClinGen allele CA9596595.